The following is an entry in ClinVar:

NM_002519.3(NPAT):c.3738G>A (p.Met1246Ile)

Gene: NPAT (nuclear protein, coactivator of histone transcription; minus strand). Cytogenetic location: 11q22.3.
Variant type: single nucleotide variant.
Coding change: c.3738G>A on transcript NM_002519.3 (MANE Select); coding-DNA position 3738, G replaced by A.
Protein change: p.Met1246Ile; replaces methionine 1246 with isoleucine.
Molecular consequence: missense variant.
Genome position (GRCh38, 1-based): chr11:108,161,348, C>T on the plus strand (G>A on the coding strand, the complement: NPAT is on the minus strand). VCF-style: chr11-108161348-C-T. GRCh37 (hg19) VCF-style: chr11-108032075-C-T.
Other names: c.3759G>A, p.Met1253Ile (NM_001321307.1); short protein forms M1246I, M1253I.
Identifiers: ClinVar variation 1734440 (VCV001734440.2), dbSNP rs750784689, ClinGen allele CA6263528.
Genomic context (GRCh38, chr11:108,161,348, plus strand): 5'-AGGTAAATCACTACTATCAGCAAGCCTACTTACTGAGCTGTGCCTCTGTATATCCTGTAA[C>T]ATTTCTGTGGTAATCAAAGAACTGGCGGATTTAGTTTGTTCTTGTTTTAGATCCTTCACA-3'
Protein context (NP_002510.2, residues 1236-1256): KSASSLITTE[Met1246Ile]LQDIQRHSSV

ClinVar aggregate classification (germline): Uncertain significance (1 of 4 stars; one submission).

Allele frequency attached by ClinVar (database versions not stated): gnomAD exomes 0.00002; ExAC 0.00004.

Submission:

Ambry Genetics
Classification: Uncertain significance. Last evaluated: 2021-12-09. Review status: criteria provided, single submitter. Criteria: Ambry Variant Classification Scheme 2023. Collection method: clinical testing. Allele origin: germline.
Comment: The p.M1246I variant (also known as c.3738G>A), located in coding exon 17 of the NPAT gene, results from a G to A substitution at nucleotide position 3738. The methionine at codon 1246 is replaced by isoleucine, an amino acid with highly similar properties. This amino acid position is conserved. In addition, this alteration is predicted to be tolerated by in silico analysis. Since supporting evidence is limited at this time, the clinical significance of this alteration remains unclear.